The following is an entry in ClinVar:

ClinVar aggregate classification (germline): Benign. Review status: criteria provided, multiple submitters, no conflicts (2 of 4 stars). 2 submissions from 2 submitters: Benign (2). Last evaluated 2018-06-14.

Allele frequency attached by ClinVar (database versions not stated): 1000 Genomes Project 0.68411; 1000 Genomes Project 30x 0.68738; gnomAD 0.70756 and 0.71424; TOPMed 0.70796.
gnomAD v4.1: 107,166 of 151,444 alleles (71%); highest among the groups gnomAD compares: African/African-American, 76%; 38,123 homozygotes.

Submissions (2):

GeneDx
Classification: Benign. Last evaluated: 2018-06-14. Review status: criteria provided, single submitter. Criteria: GeneDx Variant Classification (06012015). Collection method: clinical testing. Allele origin: germline. Affected: yes.
Comment: This variant is considered likely benign or benign based on one or more of the following criteria: it is a conservative change, it occurs at a poorly conserved position in the protein, it is predicted to be benign by multiple in silico algorithms, and/or has population frequency not consistent with disease.

Breakthrough Genomics
Classification: Benign. Review status: criteria provided, single submitter. Criteria: ACMG Guidelines, 2015. Collection method: not provided. Allele origin: germline. Inheritance: Autosomal recessive inheritance. Affected: yes.

NM_030962.4(SBF2):c.4932+224C>T

Genes: SBF2 (SET binding factor 2; minus strand), SBF2-AS1 (SBF2 antisense RNA 1; plus strand), LOC105369149 (uncharacterized LOC105369149; plus strand). Cytogenetic location: 11p15.4.
Variant type: single nucleotide variant.
Coding change: c.4932+224C>T on transcript NM_030962.4 (MANE Select); 224 bases into the intron after coding-DNA position 4932, C replaced by T.
Molecular consequence: intron variant.
Genome position (GRCh38, 1-based): chr11:9,788,885, G>A on the plus strand (C>T on the coding strand, the complement: SBF2 is on the minus strand). VCF-style: chr11-9788885-G-A. GRCh37 (hg19) VCF-style: chr11-9810432-G-A.
Other names: c.4803+224C>T (NM_001386342.1); c.5028+224C>T (NM_001386339.1).
Identifiers: ClinVar variation 669269 (VCV000669269.2), dbSNP rs360131, ClinGen allele CA13372754.